The following is an entry in ClinVar:

ClinVar aggregate classification (germline): Likely pathogenic (1 of 4 stars; one submission).

Conditions:
Hereditary angioedema type 1 (HAE1). Identifiers: Orphanet 100050, Orphanet 100051, Orphanet 91378, MedGen C2717906, MONDO:0015053, OMIM 106100.

Submission:

DNA-diagnostics Laboratory, Research Centre For Medical Genetics
Classification: Likely pathogenic for Hereditary angioedema type 1. Last evaluated: 2024-08-09. Review status: criteria provided, single submitter. Criteria: ACMG Guidelines, 2015. Collection method: research. Allele origin: germline. Inheritance: Autosomal dominant inheritance. Affected: yes. Observed: 1 heterozygote.
Comment: According to our observation the c.519C>A variant in SERPING1 meets ACMG/ClinGen SVI guidance criteria to be classified as likely pathogenic: PP3_Mod, PP4_Mod, PM2_Sup, PP2

NM_000062.3(SERPING1):c.519C>A (p.Ser173Arg)

Gene: SERPING1 (serpin family G member 1; plus strand). Cytogenetic location: 11q12.1.
Variant type: single nucleotide variant.
Coding change: c.519C>A on transcript NM_000062.3 (MANE Select); coding-DNA position 519, C replaced by A.
Protein change: p.Ser173Arg; replaces serine 173 with arginine.
Molecular consequence: missense variant.
Genome position (GRCh38, 1-based): chr11:57,600,346, C>A. VCF-style: chr11-57600346-C-A. GRCh37 (hg19) VCF-style: chr11-57367819-C-A.
Other names: c.519C>A, p.Ser173Arg (NM_001032295.2); short protein forms S173R.
Identifiers: ClinVar variation 3336719 (VCV003336719.2).